The following is an entry in ClinVar:

NM_001369458.1(NFIB):c.97-91011G>A

Gene: NFIB (nuclear factor I B; minus strand). Cytogenetic location: 9p22.3.
Variant type: single nucleotide variant.
Coding change: c.97-91011G>A on transcript NM_001369458.1; 91011 bases into the intron before coding-DNA position 97, G replaced by A.
Molecular consequence: intron variant. On other transcripts: missense variant (1).
Genome position (GRCh38, 1-based): chr9:14,398,531, C>T on the plus strand (G>A on the coding strand, the complement: NFIB is on the minus strand). VCF-style: chr9-14398531-C-T. GRCh37 (hg19) VCF-style: chr9-14398530-C-T.
Other names: c.101G>A, p.Gly34Glu (NM_001190738.2); c.97-91011G>A (NM_001369468.1, NM_001369462.1, NM_001369459.1); short protein forms G34E.
Identifiers: ClinVar variation 5008875 (VCV005008875.1).

ClinVar aggregate classification (germline): Uncertain significance (1 of 4 stars; one submission).

gnomAD v4.1: 2 of 1,533,346 alleles (0.00013%); highest among the groups gnomAD compares: African/African-American, 0.0028%; no homozygotes.

Submission:

GeneDx
Classification: Uncertain significance. Last evaluated: 2026-03-10. Review status: criteria provided, single submitter. Criteria: GeneDx Variant Classification Process June 2021. Collection method: clinical testing. Allele origin: germline.
Comment: In silico analysis suggests that this missense variant does not alter protein structure/function; Has not been previously published as pathogenic or benign to our knowledge; Reported using an alternate transcript of the gene